The following is an entry in ClinVar:

ClinVar aggregate classification (germline): Likely benign (1 of 4 stars; one submission).

Allele frequency attached by ClinVar (database versions not stated): gnomAD exomes below 0.00001.
gnomAD v4.1: 1 of 1,613,062 alleles (0.000062%); highest among the groups gnomAD compares: Non-Finnish European, 0.000085%; no homozygotes.

Submission:

CeGaT Center for Human Genetics Tuebingen
Classification: Likely benign. Last evaluated: 2023-04-01. Review status: criteria provided, single submitter. Criteria: CeGaT Center For Human Genetics Tuebingen Variant Classification Criteria Version 2. Collection method: clinical testing. Allele origin: germline. Affected: yes. Observed: 1 variant allele.
Comment: FAM135A: BP4, BP7

NM_001162529.3(FAM135A):c.3003T>C (p.Asp1001=)

Gene: FAM135A (family with sequence similarity 135 member A; plus strand). Cytogenetic location: 6q13.
Variant type: single nucleotide variant.
Coding change: c.3003T>C on transcript NM_001162529.3 (MANE Select); coding-DNA position 3003, T replaced by C.
Protein change: p.Asp1001=; no amino-acid change (aspartic acid 1001 retained).
Molecular consequence: synonymous variant.
Genome position (GRCh38, 1-based): chr6:70,526,087, T>C. VCF-style: chr6-70526087-T-C. GRCh37 (hg19) VCF-style: chr6-71235790-T-C.
Other names: c.2493T>C, p.Asp831= (NM_001331003.3, NM_001330998.3); c.1728T>C, p.Asp576= (NM_001331004.3); c.2904T>C, p.Asp968= (NM_001331005.3); c.1821T>C, p.Asp607= (NM_001331006.3); c.3081T>C, p.Asp1027= (NM_001351599.2, NM_001330996.3, NM_001330999.3); c.3003T>C, p.Asp1001= (NM_001351600.2, NM_001351602.2, NM_001351607.2); c.2157T>C, p.Asp719= (NM_001351608.2); c.1563T>C, p.Asp521= (NM_001351609.2); and 4 more.
Identifiers: ClinVar variation 2656689 (VCV002656689.24), dbSNP rs1291559354, ClinGen allele CA450861326.